The following is an entry in ClinVar:

ClinVar aggregate classification (germline): Uncertain significance (1 of 4 stars; one submission).

Submission:

GeneDx
Classification: Uncertain significance. Last evaluated: 2025-06-30. Review status: criteria provided, single submitter. Criteria: GeneDx Variant Classification Process June 2021. Collection method: clinical testing. Allele origin: germline. Affected: yes.
Comment: Not observed at significant frequency in large population cohorts (gnomAD); In silico analysis supports that this missense variant has a deleterious effect on protein structure/function; Has not been previously published as pathogenic or benign to our knowledge

NM_014008.5(CCDC22):c.885C>G (p.His295Gln)

Gene: CCDC22 (CCC complex scaffolding subunit CCDC22; plus strand). Cytogenetic location: Xp11.23.
Variant type: single nucleotide variant.
Coding change: c.885C>G on transcript NM_014008.5 (MANE Select); coding-DNA position 885, C replaced by G.
Protein change: p.His295Gln; replaces histidine 295 with glutamine.
Molecular consequence: missense variant.
Genome position (GRCh38, 1-based): chrX:49,246,901, C>G. VCF-style: chrX-49246901-C-G. GRCh37 (hg19) VCF-style: chrX-49103362-C-G.
Other names: short protein forms H295Q.
Identifiers: ClinVar variation 4680898 (VCV004680898.1).